The following is an entry in ClinVar:

ClinVar aggregate classification (germline): Uncertain significance (1 of 4 stars; one submission).

Conditions:
Aortic aneurysm, familial thoracic 7 (AAT7). Also called: AORTIC DISSECTION, FAMILIAL, WITH OR WITHOUT AORTIC ANEURYSM. Identifiers: MedGen C3151077, MONDO:0013418, OMIM 613780.

gnomAD v4.1: 1 of 1,614,156 alleles (0.000062%); highest among the groups gnomAD compares: Admixed American, 0.0017%; no homozygotes.

Submission:

Labcorp Genetics (formerly Invitae), Labcorp
Classification: Uncertain significance for Aortic aneurysm, familial thoracic 7. Last evaluated: 2021-01-12. Review status: criteria provided, single submitter. Criteria: Invitae Variant Classification Sherloc (09022015). Collection method: clinical testing. Allele origin: germline.
Comment: In summary, the available evidence is currently insufficient to determine the role of this variant in disease. Therefore, it has been classified as a Variant of Uncertain Significance. Advanced modeling of protein sequence and biophysical properties (such as structural, functional, and spatial information, amino acid conservation, physicochemical variation, residue mobility, and thermodynamic stability) performed at Invitae indicates that this missense variant is not expected to disrupt MYLK protein function. This variant has not been reported in the literature in individuals with MYLK-related conditions. This variant is not present in population databases (ExAC no frequency). This sequence change replaces valine with alanine at codon 209 of the MYLK protein (p.Val209Ala). The valine residue is weakly conserved and there is a small physicochemical difference between valine and alanine.

NM_053025.4(MYLK):c.626T>C (p.Val209Ala)

Gene: MYLK (myosin light chain kinase; minus strand). Cytogenetic location: 3q21.1.
Variant type: single nucleotide variant.
Coding change: c.626T>C on transcript NM_053025.4 (MANE Select); coding-DNA position 626, T replaced by C.
Protein change: p.Val209Ala; replaces valine 209 with alanine.
Molecular consequence: missense variant.
Genome position (GRCh38, 1-based): chr3:123,737,506, A>G on the plus strand (T>C on the coding strand, the complement: MYLK is on the minus strand). VCF-style: chr3-123737506-A-G. GRCh37 (hg19) VCF-style: chr3-123456353-A-G.
Other names: c.98T>C, p.Val33Ala (NM_001321309.2); c.626T>C, p.Val209Ala (NM_053026.4, NM_053027.4, NM_053028.4); short protein forms V209A, V33A.
Identifiers: ClinVar variation 1360606 (VCV001360606.8), dbSNP rs746239128, ClinGen allele CA354240965.
Genomic context (GRCh38, chr3:123,737,506, plus strand): 5'-CCCACGTCATCTTGGTTGACTCCATGGATTTCCAGAACCTGCATGCCGTTCTTCTCAGAC[A>G]CAGACACACGGGCACTCGGCTGCAGTGGAACATTTCCCTGTGGATGGCAATGGGGTAACT-3'
Protein context (NP_444253.3, residues 199-219): VPLQPSARVS[Val209Ala]SEKNGMQVLE